The following is an entry in ClinVar:

NM_001386298.1(CIC):c.2398C>T (p.Arg800Cys)

Gene: CIC (capicua transcriptional repressor; plus strand). Cytogenetic location: 19q13.2.
Variant type: single nucleotide variant.
Coding change: c.2398C>T on transcript NM_001386298.1 (MANE Select); coding-DNA position 2398, C replaced by T.
Protein change: p.Arg800Cys; replaces arginine 800 with cysteine.
Molecular consequence: missense variant.
Genome position (GRCh38, 1-based): chr19:42,274,181, C>T. VCF-style: chr19-42274181-C-T. GRCh37 (hg19) VCF-style: chr19-42778333-C-T.
Other names: c.2398C>T, p.Arg800Cys (NM_001304815.2, NM_001379480.1, NM_001379482.1 and 1 more transcripts); short protein forms R800C.
Identifiers: ClinVar variation 2635286 (VCV002635286.1), dbSNP rs2036883719, ClinGen allele CA406089462.

ClinVar aggregate classification (germline): Likely pathogenic (1 of 4 stars; one submission).

Conditions:
CIC-related disorder. Also called: CIC-related condition.

Allele frequency attached by ClinVar (database versions not stated): gnomAD exomes below 0.00001.

Submission:

PreventionGenetics, part of Exact Sciences
Classification: Likely pathogenic for CIC-related condition. Last evaluated: 2022-12-09. Review status: criteria provided, single submitter. Criteria: ACMG Guidelines, 2015. Collection method: clinical testing. Allele origin: germline.
Comment: The CIC c.2398C>T variant is predicted to result in the amino acid substitution p.Arg800Cys. To our knowledge, this variant has not been reported in the literature or in a large population database, indicating this variant is rare. This variant is interpreted as likely pathogenic.